The following is an entry in ClinVar:

NM_001273.5(CHD4):c.2058C>G (p.Gly686=)

Gene: CHD4 (chromodomain helicase DNA binding protein 4; minus strand). Cytogenetic location: 12p13.31.
Variant type: single nucleotide variant.
Coding change: c.2058C>G on transcript NM_001273.5 (MANE Select); coding-DNA position 2058, C replaced by G.
Protein change: p.Gly686=; no amino-acid change (glycine 686 retained).
Molecular consequence: synonymous variant.
Genome position (GRCh38, 1-based): chr12:6,595,397, G>C on the plus strand (C>G on the coding strand, the complement: CHD4 is on the minus strand). VCF-style: chr12-6595397-G-C. GRCh37 (hg19) VCF-style: chr12-6704563-G-C.
Other names: c.2037C>G, p.Gly679= (NM_001297553.2); c.2019C>G, p.Gly673= (NM_001363606.2); c.2058C>G (NM_001273.3).
Identifiers: ClinVar variation 3009587 (VCV003009587.4), dbSNP rs1312972188, ClinGen allele CA478133628.

ClinVar aggregate classification (germline): Likely benign. Review status: criteria provided, multiple submitters, no conflicts (2 of 4 stars). 2 submissions from 2 submitters: Likely benign (2). Last evaluated 2026-06-10.

Conditions:
CHD4-related disorder. Also called: CHD4-related condition.

Allele frequency attached by ClinVar (database versions not stated): gnomAD 0.00001; gnomAD exomes 0.00001; TOPMed 0.00002.
gnomAD v4.1: 14 of 1,613,886 alleles (0.00087%); highest among the groups gnomAD compares: Non-Finnish European, 0.00093%; no homozygotes.

Submissions (2):

PreventionGenetics, part of Exact Sciences
Classification: Likely benign for CHD4-related condition. Last evaluated: 2026-06-10. Review status: criteria provided, single submitter. Criteria: ACMG Guidelines, 2015. Collection method: clinical testing. Allele origin: germline.
Comment: This variant is classified as likely benign based on ACMG/AMP sequence variant interpretation guidelines (Richards et al. 2015 PMID: 25741868, with internal and published modifications).

Labcorp Genetics (formerly Invitae), Labcorp
Classification: Likely benign. Last evaluated: 2023-09-09. Review status: criteria provided, single submitter. Criteria: Invitae Variant Classification Sherloc (09022015). Collection method: clinical testing. Allele origin: germline.